The following is an entry in ClinVar:

ClinVar aggregate classification (germline): Uncertain significance (1 of 4 stars; one submission).

Conditions:
Familial adenomatous polyposis 1 (FAP1). Also called: FAMILIAL ADENOMATOUS POLYPOSIS 1, ATTENUATED; POLYPOSIS, ADENOMATOUS INTESTINAL. Identifiers: MedGen C2713442, MONDO:0021056, OMIM 175100. Disease mechanism: loss of function.

Submission:

Labcorp Genetics (formerly Invitae), Labcorp
Classification: Uncertain significance for Familial adenomatous polyposis 1. Last evaluated: 2024-09-27. Review status: criteria provided, single submitter. Criteria: Invitae Variant Classification Sherloc (09022015). Collection method: clinical testing. Allele origin: germline.
Comment: This variant occurs in a non-coding region of the APC gene. It does not change the encoded amino acid sequence of the APC protein. This variant is not present in population databases (gnomAD no frequency). This variant has not been reported in the literature in individuals affected with APC-related conditions. Experimental studies and prediction algorithms are not available or were not evaluated, and the functional significance of this variant is currently unknown. In summary, the available evidence is currently insufficient to determine the role of this variant in disease. Therefore, it has been classified as a Variant of Uncertain Significance.

NM_001127511.3(APC):c.109G>T (p.Glu37Ter)

Gene: APC (APC regulator of Wnt signaling pathway; plus strand). Cytogenetic location: 5q22.2.
Variant type: single nucleotide variant.
Coding change: c.109G>T on transcript NM_001127511.3; coding-DNA position 109, G replaced by T.
Protein change: p.Glu37Ter; replaces glutamic acid 37 with a stop codon.
Molecular consequence: nonsense. On other transcripts: 5 prime UTR variant (8), non-coding transcript variant (1), intron variant (5).
Genome position (GRCh38, 1-based): chr5:112,707,826, G>T. VCF-style: chr5-112707826-G-T. GRCh37 (hg19) VCF-style: chr5-112043523-G-T.
Other names: c.-75G>T (NM_001354895.2, NM_001407447.1, NM_001407452.1 and 3 more transcripts); c.109G>T, p.Glu37Ter (NM_001354897.2, NM_001354902.2, NM_001407446.1); c.-1110G>T (NM_001407470.1, NM_001407472.1); c.-19+177G>T (NM_001407448.1, NM_001407450.1, NM_001407457.1 and 1 more transcripts); c.-43+177G>T (NM_001407453.1); short protein forms E37*.
Identifiers: ClinVar variation 3613301 (VCV003613301.2).